The following is an entry in ClinVar:

ClinVar aggregate classification (germline): Conflicting classifications of pathogenicity. Review status: criteria provided, conflicting classifications (1 of 4 stars). 3 submissions from 3 submitters: Uncertain significance (1); Likely benign (1). 1 of the submissions does not count toward it. Last evaluated 2025-09-06.

Conditions:
COG1 congenital disorder of glycosylation (CDG2G). Also called: CONGENITAL DISORDER OF GLYCOSYLATION, TYPE IIg; CDG IIg; CDGII/COG1 CEREBROCOSTOMANDIBULAR-LIKE SYNDROME. Identifiers: Orphanet 263508, MedGen C2931011, MONDO:0012637, OMIM 611209.
COG1-related disorder. Also called: COG1-related condition.

Allele frequency attached by ClinVar (database versions not stated): ExAC below 0.00001; TOPMed 0.00007; gnomAD exomes 0.00008 and 0.00042; gnomAD 0.00009 and 0.00011.
gnomAD v4.1: 537 of 1,427,336 alleles (0.038%); highest among the groups gnomAD compares: Non-Finnish European, 0.047%; no homozygotes.

Submissions (3):

Labcorp Genetics (formerly Invitae), Labcorp
Classification: Likely benign for COG1 congenital disorder of glycosylation. Last evaluated: 2025-09-06. Review status: criteria provided, single submitter. Criteria: Invitae Variant Classification Sherloc (09022015). Collection method: clinical testing. Allele origin: germline.

Illumina Laboratory Services, Illumina
Classification: Uncertain significance for COG1 congenital disorder of glycosylation. Last evaluated: 2018-01-13. Review status: criteria provided, single submitter. Criteria: ICSL Variant Classification Criteria 13 December 2019. Collection method: clinical testing. Allele origin: germline.

PreventionGenetics, part of Exact Sciences
Classification: Likely benign for COG1-related condition. Last evaluated: 2022-03-18. Review status: no assertion criteria provided. Collection method: clinical testing. Allele origin: germline. Not counted in ClinVar's aggregate classification.
Comment: This variant is classified as likely benign based on ACMG/AMP sequence variant interpretation guidelines (Richards et al. 2015 PMID: 25741868, with internal and published modifications).

NM_018714.3(COG1):c.315+8C>T

Genes: COG1 (component of oligomeric golgi complex 1; plus strand), LOC130061577 (ATAC-STARR-seq lymphoblastoid silent region 8921; plus strand). Cytogenetic location: 17q25.1.
Variant type: single nucleotide variant.
Coding change: c.315+8C>T on transcript NM_018714.3 (MANE Select); 8 bases into the intron after coding-DNA position 315, C replaced by T.
Molecular consequence: intron variant.
Genome position (GRCh38, 1-based): chr17:73,193,392, C>T. VCF-style: chr17-73193392-C-T. GRCh37 (hg19) VCF-style: chr17-71189531-C-T.
Identifiers: ClinVar variation 324960 (VCV000324960.14), dbSNP rs748732950, ClinGen allele CA8739920.